The following is an entry in ClinVar:

ClinVar aggregate classification (germline): Conflicting classifications of pathogenicity. Review status: criteria provided, conflicting classifications (1 of 4 stars). 5 submissions from 5 submitters: Uncertain significance (4); Likely benign (1). Last evaluated 2025-08-03.

Conditions:
Cardiomyopathy, familial hypertrophic 27. Identifiers: MedGen C4748014, MONDO:0054838, OMIM 618052.
Cardiovascular phenotype. Identifiers: MedGen CN230736.

Allele frequency attached by ClinVar (database versions not stated): gnomAD 0.00001; TOPMed 0.00001; ExAC 0.00002; gnomAD exomes 0.00002; ESP Exome Variant Server 0.00008.
gnomAD v4.1: 40 of 1,614,064 alleles (0.0025%); highest among the groups gnomAD compares: South Asian, 0.0099%; no homozygotes.

Submissions (5):

Labcorp Genetics (formerly Invitae), Labcorp
Classification: Uncertain significance. Last evaluated: 2025-08-03. Review status: criteria provided, single submitter. Criteria: Invitae Variant Classification Sherloc (09022015). Collection method: clinical testing. Allele origin: germline.
Comment: This sequence change replaces proline, which is neutral and non-polar, with leucine, which is neutral and non-polar, at codon 279 of the ALPK3 protein (p.Pro279Leu). This variant is present in population databases (rs372130536, gnomAD 0.01%). This variant has not been reported in the literature in individuals affected with ALPK3-related conditions. ClinVar contains an entry for this variant (Variation ID: 452252). An algorithm developed to predict the effect of missense changes on protein structure and function (PolyPhen-2) suggests that this variant is likely to be disruptive. In summary, the available evidence is currently insufficient to determine the role of this variant in disease. Therefore, it has been classified as a Variant of Uncertain Significance.

GeneDx
Classification: Uncertain significance. Last evaluated: 2025-07-09. Review status: criteria provided, single submitter. Criteria: GeneDx Variant Classification Process June 2021. Collection method: clinical testing. Allele origin: germline. Affected: yes.
Comment: Has not been previously published as pathogenic or benign to our knowledge; In silico analysis supports that this missense variant has a deleterious effect on protein structure/function

Ambry Genetics
Classification: Uncertain significance for Cardiovascular phenotype. Last evaluated: 2024-08-15. Review status: criteria provided, single submitter. Criteria: Ambry Variant Classification Scheme 2023. Collection method: clinical testing. Allele origin: germline.
Comment: The p.P279L variant (also known as c.836C>T), located in coding exon 3 of the ALPK3 gene, results from a C to T substitution at nucleotide position 836. The proline at codon 279 is replaced by leucine, an amino acid with similar properties. This amino acid position is highly conserved in available vertebrate species. In addition, this alteration is predicted to be deleterious by in silico analysis. Since supporting evidence is limited at this time, the clinical significance of this alteration remains unclear.

ARUP Laboratories, Molecular Genetics and Genomics, ARUP Laboratories
Classification: Uncertain significance for Cardiomyopathy, familial hypertrophic 27. Last evaluated: 2024-07-10. Review status: criteria provided, single submitter. Criteria: ARUP Molecular Germline Variant Investigation Process 2024. Collection method: clinical testing. Allele origin: germline.
Comment: The ALPK3 c.230C>T; p.Pro77Leu variant (rs372130536), to our knowledge, is not reported in the medical literature but is reported in ClinVar (Variation ID: 452252). This variant is found in the general population with an overall allele frequency of 0.002% (6/251,424 alleles) in the Genome Aggregation Database (v2.1.1). Computational analyses predict that this variant is deleterious (REVEL: 0.819). However, given the lack of clinical and functional data, the significance of this variant is uncertain at this time.

Blueprint Genetics
Classification: Likely benign. Last evaluated: 2022-05-09. Review status: criteria provided, single submitter. Criteria: ACMG Guidelines, 2015. Collection method: clinical testing. Allele origin: germline.

NM_020778.5(ALPK3):c.230C>T (p.Pro77Leu)

Gene: ALPK3 (alpha kinase 3; plus strand). Cytogenetic location: 15q25.3.
Variant type: single nucleotide variant.
Coding change: c.230C>T on transcript NM_020778.5 (MANE Select); coding-DNA position 230, C replaced by T.
Protein change: p.Pro77Leu; replaces proline 77 with leucine.
Molecular consequence: missense variant.
Genome position (GRCh38, 1-based): chr15:84,827,531, C>T. VCF-style: chr15-84827531-C-T. GRCh37 (hg19) VCF-style: chr15-85370762-C-T.
Other names: short protein forms P279L, P77L.
Identifiers: ClinVar variation 452252 (VCV000452252.17), dbSNP rs372130536, ClinGen allele CA7708897.